The following is an entry in ClinVar:

NM_015338.6(ASXL1):c.1735A>G (p.Ile579Val)

Gene: ASXL1 (ASXL transcriptional regulator 1; plus strand). Cytogenetic location: 20q11.21.
Variant type: single nucleotide variant.
Coding change: c.1735A>G on transcript NM_015338.6 (MANE Select); coding-DNA position 1735, A replaced by G.
Protein change: p.Ile579Val; replaces isoleucine 579 with valine.
Molecular consequence: missense variant.
Genome position (GRCh38, 1-based): chr20:32,434,447, A>G. VCF-style: chr20-32434447-A-G. GRCh37 (hg19) VCF-style: chr20-31022250-A-G.
Other names: c.1552A>G, p.Ile518Val (NM_001363734.1); short protein forms I579V, I518V.
Identifiers: ClinVar variation 3791309 (VCV003791309.1).

ClinVar aggregate classification (germline): Uncertain significance (1 of 4 stars; one submission).

Conditions:
Inborn genetic diseases. Identifiers: MedGen C0950123, MeSH D030342.

gnomAD v4.1: 8 of 1,614,072 alleles (0.0005%); highest among the groups gnomAD compares: Non-Finnish European, 0.00068%; no homozygotes.

Submission:

Ambry Genetics
Classification: Uncertain significance for Inborn genetic diseases. Last evaluated: 2024-12-15. Review status: criteria provided, single submitter. Criteria: Ambry Variant Classification Scheme 2023. Collection method: clinical testing. Allele origin: germline.
Comment: The p.I579V variant (also known as c.1735A>G), located in coding exon 13 of the ASXL1 gene, results from an A to G substitution at nucleotide position 1735. The isoleucine at codon 579 is replaced by valine, an amino acid with highly similar properties. This amino acid position is conserved. In addition, this alteration is predicted to be tolerated by in silico analysis. Based on the available evidence, the clinical significance of this variant remains unclear.